The following is an entry in ClinVar:

NM_004826.4(ECEL1):c.2023G>A (p.Ala675Thr)

Gene: ECEL1 (endothelin converting enzyme like 1; minus strand). Cytogenetic location: 2q37.1.
Variant type: single nucleotide variant.
Coding change: c.2023G>A on transcript NM_004826.4 (MANE Select); coding-DNA position 2023, G replaced by A.
Protein change: p.Ala675Thr; replaces alanine 675 with threonine.
Molecular consequence: missense variant.
Genome position (GRCh38, 1-based): chr2:232,481,123, C>T on the plus strand (G>A on the coding strand, the complement: ECEL1 is on the minus strand). VCF-style: chr2-232481123-C-T. GRCh37 (hg19) VCF-style: chr2-233345833-C-T.
Other names: ECEL1; c.2017G>A, p.Ala673Thr (NM_001290787.2); short protein forms A675T, A673T.
Identifiers: ClinVar variation 161451 (VCV000161451.10), dbSNP rs606231471, ClinGen allele CA174029.

ClinVar aggregate classification (germline): Pathogenic. Review status: criteria provided, multiple submitters, no conflicts (2 of 4 stars). 4 submissions from 4 submitters: Pathogenic (2). 2 of the submissions do not count toward it. Last evaluated 2025-05-06.

Conditions:
Distal arthrogryposis type 5D (DA5D). Identifiers: Orphanet 329457, MedGen C3554415, MONDO:0014028, OMIM 615065.

Allele frequency attached by ClinVar (database versions not stated): gnomAD 0.00001; TOPMed 0.00001.
gnomAD v4.1: 10 of 1,568,684 alleles (0.00064%); highest among the groups gnomAD compares: East Asian, 0.0094%; no homozygotes.

Submissions (4):

GeneDx
Classification: Pathogenic. Last evaluated: 2025-05-06. Review status: criteria provided, single submitter. Criteria: GeneDx Variant Classification Process June 2021. Collection method: clinical testing. Allele origin: germline. Affected: yes.
Comment: Not observed at significant frequency in large population cohorts (gnomAD); In silico analysis supports that this missense variant has a deleterious effect on protein structure/function; This variant is associated with the following publications: (PMID: 25708584, 25099528, 26752647, 30131190, 30357652, 33672664, 33820833, 33249554)

Department of Medical Genetics, Sanjay Gandhi Post Graduate Institute of Medical Sciences
Classification: Pathogenic for Distal arthrogryposis type 5D. Review status: criteria provided, single submitter. Criteria: ACMG Guidelines, 2015. Collection method: clinical testing. Allele origin: inherited. Inheritance: Autosomal recessive inheritance. Affected: yes. Observed: 1 variant allele, 1 homozygote.
Comment: Predictions from Hansa (Disease causing), PolyPhen-II (Score: 0.99; Probably damaging), and SIFT (Score: 0; Damaging) unanimously indicate that the A675T mutation is pathogenic.

OMIM
Classification: Pathogenic for ARTHROGRYPOSIS, DISTAL, TYPE 5D. Last evaluated: 2014-11-01. Review status: no assertion criteria provided. Collection method: literature only. Allele origin: germline. Not counted in ClinVar's aggregate classification.

Lupski Lab, Baylor-Hopkins CMG, Baylor College of Medicine
Classification: Likely pathogenic for Distal arthrogryposis type 5D. Review status: no assertion criteria provided. Collection method: research. Allele origin: inherited. Inheritance: Autosomal recessive inheritance. Affected: yes. Observed: 4 variant alleles, 3 heterozygotes, 1 homozygote. Not counted in ClinVar's aggregate classification.

Literature cited by the submitters: PubMed 25099528 (cited by Department of Medical Genetics, Sanjay Gandhi Post Graduate Institute of Medical Sciences and OMIM); PubMed 26752647 (cited by Lupski Lab, Baylor-Hopkins CMG, Baylor College of Medicine).